The following is an entry in ClinVar:

ClinVar aggregate classification (germline): Uncertain significance. Review status: criteria provided, multiple submitters, no conflicts (2 of 4 stars). 2 submissions from 2 submitters: Uncertain significance (2). Last evaluated 2023-10-12.

Allele frequency attached by ClinVar (database versions not stated): TOPMed 0.00001; gnomAD 0.00004; ExAC 0.00007; 1000 Genomes Project 30x 0.00016; 1000 Genomes Project 0.00020.

Submissions (2):

Blueprint Genetics
Classification: Uncertain significance. Last evaluated: 2023-10-12. Review status: criteria provided, single submitter. Criteria: ACMG Guidelines, 2015. Collection method: clinical testing. Allele origin: germline.

Labcorp Genetics (formerly Invitae), Labcorp
Classification: Uncertain significance. Last evaluated: 2022-10-18. Review status: criteria provided, single submitter. Criteria: Invitae Variant Classification Sherloc (09022015). Collection method: clinical testing. Allele origin: germline.
Comment: This sequence change replaces histidine, which is basic and polar, with arginine, which is basic and polar, at codon 164 of the LCA5 protein (p.His164Arg). This variant is present in population databases (rs183669161, gnomAD 0.1%). This missense change has been observed in individual(s) with early onset rod-cone dystrophy (PMID: 23946133). Advanced modeling of protein sequence and biophysical properties (such as structural, functional, and spatial information, amino acid conservation, physicochemical variation, residue mobility, and thermodynamic stability) performed at Invitae indicates that this missense variant is expected to disrupt LCA5 protein function. In summary, the available evidence is currently insufficient to determine the role of this variant in disease. Therefore, it has been classified as a Variant of Uncertain Significance.

Literature cited by the submitters: PubMed 23946133 (cited by Labcorp Genetics (formerly Invitae), Labcorp).

NM_001122769.3(LCA5):c.491A>G (p.His164Arg)

Gene: LCA5 (lebercilin LCA5; minus strand). Cytogenetic location: 6q14.1.
Variant type: single nucleotide variant.
Coding change: c.491A>G on transcript NM_001122769.3 (MANE Select); coding-DNA position 491, A replaced by G.
Protein change: p.His164Arg; replaces histidine 164 with arginine.
Molecular consequence: missense variant.
Genome position (GRCh38, 1-based): chr6:79,513,441, T>C on the plus strand (A>G on the coding strand, the complement: LCA5 is on the minus strand). VCF-style: chr6-79513441-T-C. GRCh37 (hg19) VCF-style: chr6-80223158-T-C.
Other names: c.491A>G, p.His164Arg (NM_181714.4); short protein forms H164R.
Identifiers: ClinVar variation 2199286 (VCV002199286.5), dbSNP rs183669161, ClinGen allele CA3901111.